The following is an entry in ClinVar:

NM_025137.4(SPG11):c.23C>T (p.Ala8Val)

Gene: SPG11 (SPG11 vesicle trafficking associated, spatacsin; minus strand). Cytogenetic location: 15q21.1.
Variant type: single nucleotide variant.
Coding change: c.23C>T on transcript NM_025137.4 (MANE Select); coding-DNA position 23, C replaced by T.
Protein change: p.Ala8Val; replaces alanine 8 with valine.
Molecular consequence: missense variant.
Genome position (GRCh38, 1-based): chr15:44,663,625, G>A on the plus strand (C>T on the coding strand, the complement: SPG11 is on the minus strand). VCF-style: chr15-44663625-G-A. GRCh37 (hg19) VCF-style: chr15-44955823-G-A.
Other names: c.23C>T, p.Ala8Val (NM_001160227.2); short protein forms A8V.
Identifiers: ClinVar variation 534863 (VCV000534863.11), dbSNP rs200939573, ClinGen allele CA7535981.

ClinVar aggregate classification (germline): Uncertain significance. Review status: criteria provided, multiple submitters, no conflicts (2 of 4 stars). 7 submissions from 5 submitters: Uncertain significance (7). Last evaluated 2026-04-28.

Conditions:
Inborn genetic diseases. Identifiers: MedGen C0950123, MeSH D030342.
Charcot-Marie-Tooth disease axonal type 2X. Also called: CHARCOT-MARIE-TOOTH DISEASE, AXONAL, AUTOSOMAL RECESSIVE, TYPE 2X; CHARCOT-MARIE-TOOTH NEUROPATHY, TYPE 2X. Identifiers: Orphanet 466775, MedGen C5569024, MONDO:0014726, OMIM 616668.
Amyotrophic lateral sclerosis type 5 (ALS5). Also called: AMYOTROPHIC LATERAL SCLEROSIS 5, JUVENILE. Identifiers: Orphanet 300605, MedGen C1865864, MONDO:0011196, OMIM 602099.
Hereditary spastic paraplegia 11. Also called: Nakamura Osame syndrome; Autosomal recessive hereditary spastic paraplegia, mental impairment, and thin corpus callosum; Spastic Paraplegia 11; Spastic paraplegia, mental retardation and thin corpus callosum; SPASTIC PARAPLEGIA, AUTOSOMAL RECESSIVE, COMPLICATED, WITH THIN CORPUS CALLOSUM; SPASTIC PARAPLEGIA, AUTOSOMAL RECESSIVE, WITH MENTAL IMPAIRMENT AND THIN CORPUS CALLOSUM. Identifiers: Orphanet 2822, MedGen C1858479, MONDO:0011445, OMIM 604360.

Allele frequency attached by ClinVar (database versions not stated): TOPMed 0.00002.
gnomAD v4.1: 27 of 1,595,948 alleles (0.0017%); highest among the groups gnomAD compares: East Asian, 0.0022%; no homozygotes.

Submissions (7):

Women's Health and Genetics/Laboratory Corporation of America, LabCorp
Classification: Uncertain significance. Last evaluated: 2026-04-28. Review status: criteria provided, single submitter. Criteria: LabCorp Variant Classification Summary - May 2015. Collection method: clinical testing. Allele origin: germline.
Comment: Variant summary: SPG11 c.23C>T (p.Ala8Val) results in a non-conservative amino acid change in the encoded protein sequence. Algorithms developed to predict the effect of missense changes on protein structure and function are either unavailable or do not agree on the potential impact of this missense change. The variant allele was found at a frequency of 1.4e-05 in 213258 control chromosomes. The available data on variant occurrences in the general population are insufficient to allow any conclusion about variant significance. To our knowledge, no occurrence of c.23C>T in individuals affected with SPG11-related conditions and no experimental evidence demonstrating its impact on protein function have been reported. ClinVar contains an entry for this variant (Variation ID: 534863). Based on the evidence outlined above, the variant was classified as uncertain significance.

Labcorp Genetics (formerly Invitae), Labcorp
Classification: Uncertain significance for Hereditary spastic paraplegia 11. Last evaluated: 2022-04-19. Review status: criteria provided, single submitter. Criteria: Invitae Variant Classification Sherloc (09022015). Collection method: clinical testing. Allele origin: germline.
Comment: This sequence change replaces alanine, which is neutral and non-polar, with valine, which is neutral and non-polar, at codon 8 of the SPG11 protein (p.Ala8Val). This variant is present in population databases (rs200939573, gnomAD 0.007%). This variant has not been reported in the literature in individuals affected with SPG11-related conditions. ClinVar contains an entry for this variant (Variation ID: 534863). Algorithms developed to predict the effect of missense changes on protein structure and function are either unavailable or do not agree on the potential impact of this missense change (SIFT: "Deleterious"; PolyPhen-2: "Not Available"; Align-GVGD: "Class C0"). Algorithms developed to predict the effect of sequence changes on RNA splicing suggest that this variant may create or strengthen a splice site. In summary, the available evidence is currently insufficient to determine the role of this variant in disease. Therefore, it has been classified as a Variant of Uncertain Significance.

Ambry Genetics
Classification: Uncertain significance for Inborn genetic diseases. Last evaluated: 2019-12-18. Review status: criteria provided, single submitter. Criteria: Ambry Variant Classification Scheme 2023. Collection method: clinical testing. Allele origin: germline.
Comment: The p.A8V variant (also known as c.23C>T), located in coding exon 1 of the SPG11 gene, results from a C to T substitution at nucleotide position 23. The alanine at codon 8 is replaced by valine, an amino acid with similar properties. This amino acid position is poorly conserved in available vertebrate species. In addition, this alteration is predicted to be tolerated by in silico analysis. Since supporting evidence is limited at this time, the clinical significance of this alteration remains unclear.

Illumina Laboratory Services, Illumina
Classification: Uncertain significance for Hereditary spastic paraplegia 11. Last evaluated: 2018-01-12. Review status: criteria provided, single submitter. Criteria: ICSL Variant Classification Criteria 13 December 2019. Collection method: clinical testing. Allele origin: germline.

Genome-Nilou Lab
Classification: Uncertain significance for Amyotrophic lateral sclerosis type 5. Review status: criteria provided, single submitter. Criteria: ACMG Guidelines, 2015. Collection method: clinical testing. Allele origin: germline.

Genome-Nilou Lab
Classification: Uncertain significance for Charcot-Marie-Tooth disease axonal type 2X. Review status: criteria provided, single submitter. Criteria: ACMG Guidelines, 2015. Collection method: clinical testing. Allele origin: germline.

Genome-Nilou Lab
Classification: Uncertain significance for Hereditary spastic paraplegia 11. Review status: criteria provided, single submitter. Criteria: ACMG Guidelines, 2015. Collection method: clinical testing. Allele origin: germline.